The following is an entry in ClinVar:

ClinVar aggregate classification (germline): Uncertain significance (1 of 4 stars; one submission).

Conditions:
Pick disease. Also called: LOBAR ATROPHY OF BRAIN; Pick's disease; Pick Disease of the Brain; PICK DISEASE OF BRAIN; DEMENTIA WITH LOBAR ATROPHY AND NEURONAL CYTOPLASMIC INCLUSIONS. Identifiers: Orphanet 282, MedGen C0236642, MONDO:0008243, OMIM 172700.
Acne inversa, familial, 3 (ACNINV3). Identifiers: MedGen C3151038, MONDO:0013398, OMIM 613737.
Alzheimer disease 3 (AD3). Also called: ALZHEIMER DISEASE, FAMILIAL, 3. Identifiers: Orphanet 1020, MedGen C1843013, MONDO:0011913, OMIM 607822.
Frontotemporal dementia (FTD1). Also called: FRONTOTEMPORAL DEMENTIA WITH PARKINSONISM; FRONTOTEMPORAL LOBE DEMENTIA; MULTIPLE SYSTEM TAUOPATHY WITH PRESENILE DEMENTIA; WILHELMSEN-LYNCH DISEASE; Frontotemporal lobe dementia (FLDEM); FRONTOTEMPORAL LOBAR DEGENERATION WITH TAU INCLUSIONS. Identifiers: Orphanet 282, MedGen C0338451, MONDO:0017276, OMIM 600274, HP:0002145.

Submission:

Labcorp Genetics (formerly Invitae), Labcorp
Classification: Uncertain significance for Alzheimer disease 3; Pick disease; Acne inversa, familial, 3; Frontotemporal dementia. Last evaluated: 2024-07-30. Review status: criteria provided, single submitter. Criteria: Invitae Variant Classification Sherloc (09022015). Collection method: clinical testing. Allele origin: germline.
Comment: This sequence change replaces asparagine, which is neutral and polar, with isoleucine, which is neutral and non-polar, at codon 279 of the PSEN1 protein (p.Asn279Ile). This variant is not present in population databases (gnomAD no frequency). This variant has not been reported in the literature in individuals affected with PSEN1-related conditions. Advanced modeling of protein sequence and biophysical properties (such as structural, functional, and spatial information, amino acid conservation, physicochemical variation, residue mobility, and thermodynamic stability) performed at Invitae indicates that this missense variant is expected to disrupt PSEN1 protein function with a positive predictive value of 80%. In summary, the available evidence is currently insufficient to determine the role of this variant in disease. Therefore, it has been classified as a Variant of Uncertain Significance.

NM_000021.4(PSEN1):c.836A>T (p.Asn279Ile)

Gene: PSEN1 (presenilin 1; plus strand). Cytogenetic location: 14q24.2.
Variant type: single nucleotide variant.
Coding change: c.836A>T on transcript NM_000021.4 (MANE Select); coding-DNA position 836, A replaced by T.
Protein change: p.Asn279Ile; replaces asparagine 279 with isoleucine.
Molecular consequence: missense variant.
Genome position (GRCh38, 1-based): chr14:73,198,097, A>T. VCF-style: chr14-73198097-A-T. GRCh37 (hg19) VCF-style: chr14-73664805-A-T.
Other names: c.824A>T, p.Asn275Ile (NM_007318.3); short protein forms N275I, N279I.
Identifiers: ClinVar variation 3757475 (VCV003757475.2).